The following is an entry in ClinVar:

NM_000093.5(COL5A1):c.5136+121C>T

Genes: COL5A1 (collagen type V alpha 1 chain; plus strand), LOC101448202 (uncharacterized LOC101448202; minus strand). Cytogenetic location: 9q34.3.
Variant type: single nucleotide variant.
Coding change: c.5136+121C>T on transcript NM_000093.5 (MANE Select); 121 bases into the intron after coding-DNA position 5136, C replaced by T.
Molecular consequence: intron variant. On other transcripts: missense variant (1).
Genome position (GRCh38, 1-based): chr9:134,830,165, C>T. VCF-style: chr9-134830165-C-T. GRCh37 (hg19) VCF-style: chr9-137722011-C-T.
Other names: c.5125C>T, p.Arg1709Trp (NM_001278074.1); short protein forms R1709W.
Identifiers: ClinVar variation 1200535 (VCV001200535.4), dbSNP rs780650417, ClinGen allele CA5320628.

ClinVar aggregate classification (germline): Uncertain significance (1 of 4 stars; one submission).

Allele frequency attached by ClinVar (database versions not stated): TOPMed 0.00002; gnomAD 0.00003; gnomAD exomes 0.00003; ExAC 0.00004.
gnomAD v4.1: 53 of 1,610,416 alleles (0.0033%); highest among the groups gnomAD compares: African/African-American, 0.0053%; no homozygotes.

Submission:

GeneDx
Classification: Uncertain significance. Last evaluated: 2024-04-19. Review status: criteria provided, single submitter. Criteria: GeneDx Variant Classification Process June 2021. Collection method: clinical testing. Allele origin: germline. Affected: yes.
Comment: In silico analysis supports a deleterious effect on splicing; Not located in the triple helical region, where the majority of pathogenic missense variants occur (PMID: 22696272; HGMD); Has not been previously published as pathogenic or benign to our knowledge; Reported using an alternate transcript of the gene; This variant is associated with the following publications: (PMID: 22696272)